The following is an entry in ClinVar:

NM_007194.4(CHEK2):c.1233G>T (p.Trp411Cys)

Gene: CHEK2 (checkpoint kinase 2; minus strand). Cytogenetic location: 22q12.1.
Variant type: single nucleotide variant.
Coding change: c.1233G>T on transcript NM_007194.4 (MANE Select); coding-DNA position 1233, G replaced by T.
Protein change: p.Trp411Cys; replaces tryptophan 411 with cysteine.
Molecular consequence: missense variant.
Genome position (GRCh38, 1-based): chr22:28,695,736, C>A on the plus strand (G>T on the coding strand, the complement: CHEK2 is on the minus strand). VCF-style: chr22-28695736-C-A. GRCh37 (hg19) VCF-style: chr22-29091724-C-A.
Other names: c.1362G>T, p.Trp454Cys (NM_001005735.3); c.570G>T, p.Trp190Cys (NM_001257387.3); c.1032G>T, p.Trp344Cys (NM_001349956.3); c.1146G>T, p.Trp382Cys (NM_145862.3); short protein forms W411C, W190C, W344C, W454C, W382C.
Identifiers: ClinVar variation 481724 (VCV000481724.5), dbSNP rs1064796572, ClinGen allele CA411096638.

ClinVar aggregate classification (germline): Uncertain significance (1 of 4 stars; one submission).

Conditions:
Hereditary cancer-predisposing syndrome. Also called: Neoplastic Syndromes, Hereditary; Tumor predisposition; Hereditary Cancer Syndrome; Hereditary neoplastic syndrome. Identifiers: Orphanet 140162, MedGen C0027672, MeSH D009386, MONDO:0015356.

Submission:

Ambry Genetics
Classification: Uncertain significance for Hereditary cancer-predisposing syndrome. Last evaluated: 2016-08-25. Review status: criteria provided, single submitter. Criteria: Ambry Variant Classification Scheme 2023. Collection method: clinical testing. Allele origin: germline.
Comment: The p.W411C variant (also known as c.1233G>T), located in coding exon 10 of the CHEK2 gene, results from a G to T substitution at nucleotide position 1233. The tryptophan at codon 411 is replaced by cysteine, an amino acid with highly dissimilar properties. This variant was not reported in population based cohorts in the following databases: Database of Single Nucleotide Polymorphisms (dbSNP), NHLBI Exome Sequencing Project (ESP), and 1000 Genomes Project. In the ESP, this variant was not observed in 6499 samples (12998 alleles) with coverage at this position. To date, this alteration has been detected with an allele frequency of approximately 0.001% (greater than 200000 alleles tested) in our clinical cohort. This amino acid position is highly conserved in available vertebrate species. In addition, this alteration is predicted to be deleterious by in silico analysis. Since supporting evidence is limited at this time, the clinical significance of this alteration remains unclear.